The following is an entry in ClinVar:

NM_004453.4(ETFDH):c.928dup (p.Tyr310fs)

Gene: ETFDH (electron transfer flavoprotein dehydrogenase; plus strand). Cytogenetic location: 4q32.1.
Variant type: Duplication.
Coding change: c.928dup on transcript NM_004453.4 (MANE Select); coding-DNA position 928, one base duplicated (T; older notation c.928dupT).
Protein change: p.Tyr310fs; shifts the reading frame from tyrosine 310.
Molecular consequence: frameshift variant.
Genome position (GRCh38, 1-based): chr4:158,697,655, T duplicated. VCF-style (leftmost placement, unchanged base first): chr4-158697654-C-CT. GRCh37 (hg19) VCF-style: chr4-159618806-C-CT.
Other names: c.787dup, p.Tyr263fs (NM_001281737.2); c.745dup, p.Tyr249fs (NM_001281738.1); short protein forms Y249fs, Y310fs, Y263fs.
Identifiers: ClinVar variation 3646267 (VCV003646267.2).

ClinVar aggregate classification (germline): Pathogenic (1 of 4 stars; one submission).

Conditions:
Multiple acyl-CoA dehydrogenase deficiency (MADD). Also called: ETHYLMALONIC-ADIPICACIDURIA; GA II; Glutaric aciduria, type 2; Glutaric acidemia type II; GA 2; Glutaric Acidemia type 2. Identifiers: Orphanet 26791, MedGen C0268596, MONDO:0009282, OMIM 231680.

Submission:

Labcorp Genetics (formerly Invitae), Labcorp
Classification: Pathogenic for Multiple acyl-CoA dehydrogenase deficiency. Last evaluated: 2024-03-16. Review status: criteria provided, single submitter. Criteria: Invitae Variant Classification Sherloc (09022015). Collection method: clinical testing. Allele origin: germline.
Comment: This sequence change creates a premature translational stop signal (p.Tyr310Leufs*5) in the ETFDH gene. It is expected to result in an absent or disrupted protein product. Loss-of-function variants in ETFDH are known to be pathogenic (PMID: 16510302, 23785301). This variant is not present in population databases (gnomAD no frequency). This variant has not been reported in the literature in individuals affected with ETFDH-related conditions. For these reasons, this variant has been classified as Pathogenic.

Literature cited by the submitters: PubMed 16510302; PubMed 23785301.